The following is an entry in ClinVar:

ClinVar aggregate classification (germline): Likely benign (1 of 4 stars; one submission).

Submission:

Mayo Clinic Laboratories, Mayo Clinic
Classification: Likely benign. Last evaluated: 2025-09-04. Review status: criteria provided, single submitter. Criteria: ACMG Guidelines, 2015. Collection method: clinical testing. Allele origin: germline. Observed: 1 variant allele.
Comment: BP4, BP7, PM2_supporting

NM_001171.6(ABCC6):c.3546G>A (p.Leu1182=)

Gene: ABCC6 (ATP binding cassette subfamily C member 6; minus strand). Cytogenetic location: 16p13.11.
Variant type: single nucleotide variant.
Coding change: c.3546G>A on transcript NM_001171.6 (MANE Select); coding-DNA position 3546, G replaced by A.
Protein change: p.Leu1182=; no amino-acid change (leucine 1182 retained).
Molecular consequence: synonymous variant. On other transcripts: non-coding transcript variant (4).
Genome position (GRCh38, 1-based): chr16:16,161,525, C>T on the plus strand (G>A on the coding strand, the complement: ABCC6 is on the minus strand). VCF-style: chr16-16161525-C-T. GRCh37 (hg19) VCF-style: chr16-16255382-C-T.
Other names: p.Leu1182=; c.3204G>A, p.Leu1068= (NM_001351800.1); c.3513G>A, p.Leu1171= (NM_001440309.1); c.3378G>A, p.Leu1126= (NM_001440310.1).
Identifiers: ClinVar variation 4684076 (VCV004684076.1).